The following is an entry in ClinVar:

ClinVar aggregate classification (germline): Uncertain significance (1 of 4 stars; one submission).

Allele frequency attached by ClinVar (database versions not stated): gnomAD exomes below 0.00001; TOPMed 0.00002.
gnomAD v4.1: 2 of 1,613,290 alleles (0.00012%); highest among the groups gnomAD compares: Admixed American, 0.0017%; no homozygotes.

Submission:

Labcorp Genetics (formerly Invitae), Labcorp
Classification: Uncertain significance. Last evaluated: 2025-08-26. Review status: criteria provided, single submitter. Criteria: Invitae Variant Classification Sherloc (09022015). Collection method: clinical testing. Allele origin: germline.
Comment: This sequence change replaces glycine, which is neutral and non-polar, with valine, which is neutral and non-polar, at codon 271 of the COL9A3 protein (p.Gly271Val). This variant is not present in population databases (gnomAD no frequency). This variant has not been reported in the literature in individuals affected with COL9A3-related conditions. ClinVar contains an entry for this variant (Variation ID: 1062881). Invitae Evidence Modeling of protein sequence and biophysical properties (such as structural, functional, and spatial information, amino acid conservation, physicochemical variation, residue mobility, and thermodynamic stability) indicates that this missense variant is expected to disrupt COL9A3 protein function with a positive predictive value of 95%. In summary, the available evidence is currently insufficient to determine the role of this variant in disease. Therefore, it has been classified as a Variant of Uncertain Significance.

NM_001853.4(COL9A3):c.812G>T (p.Gly271Val)

Gene: COL9A3 (collagen type IX alpha 3 chain; plus strand). Cytogenetic location: 20q13.33.
Variant type: single nucleotide variant.
Coding change: c.812G>T on transcript NM_001853.4 (MANE Select); coding-DNA position 812, G replaced by T.
Protein change: p.Gly271Val; replaces glycine 271 with valine.
Molecular consequence: missense variant.
Genome position (GRCh38, 1-based): chr20:62,827,260, G>T. VCF-style: chr20-62827260-G-T. GRCh37 (hg19) VCF-style: chr20-61458612-G-T.
Other names: short protein forms G271V.
Identifiers: ClinVar variation 1062881 (VCV001062881.9), dbSNP rs2063561567, ClinGen allele CA409592492.